The following is an entry in ClinVar:

NM_001354768.3(NRL):c.199C>T (p.Pro67Ser)

Gene: NRL (neural retina leucine zipper; minus strand). Cytogenetic location: 14q11.2.
Variant type: single nucleotide variant.
Coding change: c.199C>T on transcript NM_001354768.3 (MANE Select); coding-DNA position 199, C replaced by T.
Protein change: p.Pro67Ser; replaces proline 67 with serine.
Molecular consequence: missense variant. On other transcripts: intron variant (1).
Genome position (GRCh38, 1-based): chr14:24,082,650, G>A on the plus strand (C>T on the coding strand, the complement: NRL is on the minus strand). VCF-style: chr14-24082650-G-A. GRCh37 (hg19) VCF-style: chr14-24551859-G-A.
Other names: c.199C>T, p.Pro67Ser (NM_001354769.1, NM_006177.5); c.66+133C>T (NM_001354770.2); short protein forms P67S.
Identifiers: ClinVar variation 380387 (VCV000380387.32), dbSNP rs199691910, ClinGen allele CA7122907.

ClinVar aggregate classification (germline): Conflicting classifications of pathogenicity. Review status: criteria provided, conflicting classifications (1 of 4 stars). 5 submissions from 5 submitters: Uncertain significance (4); Likely benign (1). Last evaluated 2026-08-10.

Conditions:
NRL-related disorder. Also called: NRL-related condition.

Allele frequency attached by ClinVar (database versions not stated): gnomAD exomes 0.00006 and 0.00010; gnomAD 0.00007; TOPMed 0.00008; ExAC 0.00009.
gnomAD v4.1: 102 of 1,613,942 alleles (0.0063%); highest among the groups gnomAD compares: Middle Eastern, 0.016%; no homozygotes.

Submissions (5):

PreventionGenetics, part of Exact Sciences
Classification: Uncertain significance for NRL-related condition. Last evaluated: 2026-08-10. Review status: criteria provided, single submitter. Criteria: ACMG Guidelines, 2015. Collection method: clinical testing. Allele origin: germline.
Comment: The NRL c.199C>T variant is predicted to result in the amino acid substitution p.Pro67Ser. This variant has been reported in an individual with retinitis pigmentosa, but did not segregate with disease in the family (Ziviello et al. 2005. PubMed ID: 15994872); additionally, functional studies suggest that this variant has a benign effect on protein function (Kanda et al. 2007. PubMed ID: 17335001). This variant is reported in 0.016% of alleles in individuals of European (Non-Finnish) descent in gnomAD. Although we suspect this variant may be benign, the clinical significance of this variant is uncertain due to the absence of conclusive functional and genetic evidence.

Labcorp Genetics (formerly Invitae), Labcorp
Classification: Uncertain significance. Last evaluated: 2024-10-16. Review status: criteria provided, single submitter. Criteria: Invitae Variant Classification Sherloc (09022015). Collection method: clinical testing. Allele origin: germline.
Comment: This sequence change replaces proline, which is neutral and non-polar, with serine, which is neutral and polar, at codon 67 of the NRL protein (p.Pro67Ser). This variant is present in population databases (rs199691910, gnomAD 0.02%). This missense change has been observed in individual(s) with autosomal dominant retinitis pigmentosa (PMID: 15994872). ClinVar contains an entry for this variant (Variation ID: 380387). An algorithm developed to predict the effect of missense changes on protein structure and function outputs the following: PolyPhen-2: "Benign". The serine amino acid residue is found in multiple mammalian species, which suggests that this missense change does not adversely affect protein function. Experimental studies have shown that this missense change does not substantially affect NRL function (PMID: 17335001). In summary, the available evidence is currently insufficient to determine the role of this variant in disease. Therefore, it has been classified as a Variant of Uncertain Significance.

Blueprint Genetics
Classification: Uncertain significance. Last evaluated: 2024-08-21. Review status: criteria provided, single submitter. Criteria: ACMG Guidelines, 2015. Collection method: clinical testing. Allele origin: germline.

CeGaT Center for Human Genetics Tuebingen
Classification: Uncertain significance. Last evaluated: 2024-01-01. Review status: criteria provided, single submitter. Criteria: CeGaT Center For Human Genetics Tuebingen Variant Classification Criteria Version 2. Collection method: clinical testing. Allele origin: germline. Affected: yes. Observed: 1 variant allele.
Comment: NRL: PM2, BP4

GeneDx
Classification: Likely benign. Last evaluated: 2015-09-08. Review status: criteria provided, single submitter. Criteria: GeneDx Variant Classification (06012015). Collection method: clinical testing. Allele origin: germline. Affected: yes.
Comment: This variant is considered likely benign or benign based on one or more of the following criteria: it is a conservative change, it occurs at a poorly conserved position in the protein, it is predicted to be benign by multiple in silico algorithms, and/or has population frequency not consistent with disease.

Literature cited by the submitters: PubMed 15994872 (cited by Labcorp Genetics (formerly Invitae), Labcorp); PubMed 17335001 (cited by Labcorp Genetics (formerly Invitae), Labcorp).